The following is an entry in ClinVar:

NM_032387.5(WNK4):c.3431A>G (p.Lys1144Arg)

Gene: WNK4 (WNK lysine deficient protein kinase 4; plus strand). Cytogenetic location: 17q21.2.
Variant type: single nucleotide variant.
Coding change: c.3431A>G on transcript NM_032387.5 (MANE Select); coding-DNA position 3431, A replaced by G.
Protein change: p.Lys1144Arg; replaces lysine 1144 with arginine.
Molecular consequence: missense variant.
Genome position (GRCh38, 1-based): chr17:42,796,033, A>G. VCF-style: chr17-42796033-A-G. GRCh37 (hg19) VCF-style: chr17-40948051-A-G.
Other names: c.2423A>G, p.Lys808Arg (NM_001321299.2); short protein forms K808R, K1144R.
Identifiers: ClinVar variation 4775911 (VCV004775911.1).

ClinVar aggregate classification (germline): Uncertain significance (1 of 4 stars; one submission).

gnomAD v4.1: 9 of 1,613,984 alleles (0.00056%); highest among the groups gnomAD compares: Admixed American, 0.013%; no homozygotes.

Submission:

Labcorp Genetics (formerly Invitae), Labcorp
Classification: Uncertain significance. Last evaluated: 2025-11-25. Review status: criteria provided, single submitter. Criteria: Invitae Variant Classification Sherloc (09022015). Collection method: clinical testing. Allele origin: germline.
Comment: This sequence change replaces lysine, which is basic and polar, with arginine, which is basic and polar, at codon 1144 of the WNK4 protein (p.Lys1144Arg). This variant is present in population databases (no rsID available, gnomAD 0.02%). This variant has not been reported in the literature in individuals affected with WNK4-related conditions. An algorithm developed to predict the effect of missense changes on protein structure and function (PolyPhen-2) suggests that this variant is likely to be disruptive. In summary, the available evidence is currently insufficient to determine the role of this variant in disease. Therefore, it has been classified as a Variant of Uncertain Significance.